The following is an entry in ClinVar:

NM_020693.4(DSCAML1):c.3752G>A (p.Arg1251Gln)

Gene: DSCAML1 (DS cell adhesion molecule like 1; minus strand). Cytogenetic location: 11q23.3.
Variant type: single nucleotide variant.
Coding change: c.3752G>A on transcript NM_020693.4 (MANE Select); coding-DNA position 3752, G replaced by A.
Protein change: p.Arg1251Gln; replaces arginine 1251 with glutamine.
Molecular consequence: missense variant.
Genome position (GRCh38, 1-based): chr11:117,443,996, C>T on the plus strand (G>A on the coding strand, the complement: DSCAML1 is on the minus strand). VCF-style: chr11-117443996-C-T. GRCh37 (hg19) VCF-style: chr11-117314712-C-T.
Other names: short protein forms R1251Q.
Identifiers: ClinVar variation 1920158 (VCV001920158.5), dbSNP rs747311471, ClinGen allele CA382762025.

ClinVar aggregate classification (germline): Uncertain significance (1 of 4 stars; one submission).

gnomAD v4.1: 30 of 1,613,808 alleles (0.0019%); highest among the groups gnomAD compares: Non-Finnish European, 0.0025%; no homozygotes.

Submission:

Labcorp Genetics (formerly Invitae), Labcorp
Classification: Uncertain significance. Last evaluated: 2022-03-01. Review status: criteria provided, single submitter. Criteria: Invitae Variant Classification Sherloc (09022015). Collection method: clinical testing. Allele origin: germline.
Comment: This variant has not been reported in the literature in individuals affected with DSCAML1-related conditions. In summary, the available evidence is currently insufficient to determine the role of this variant in disease. Therefore, it has been classified as a Variant of Uncertain Significance. Algorithms developed to predict the effect of missense changes on protein structure and function (SIFT, PolyPhen-2, Align-GVGD) all suggest that this variant is likely to be disruptive. This variant is not present in population databases (gnomAD no frequency). This sequence change replaces arginine, which is basic and polar, with glutamine, which is neutral and polar, at codon 1311 of the DSCAML1 protein (p.Arg1311Gln).